The following is an entry in ClinVar:

NM_001367561.1(DOCK7):c.6018G>A (p.Glu2006=)

Gene: DOCK7 (dedicator of cytokinesis 7; minus strand). Cytogenetic location: 1p31.3.
Variant type: single nucleotide variant.
Coding change: c.6018G>A on transcript NM_001367561.1 (MANE Select); coding-DNA position 6018, G replaced by A.
Protein change: p.Glu2006=; no amino-acid change (glutamic acid 2006 retained).
Molecular consequence: synonymous variant.
Genome position (GRCh38, 1-based): chr1:62,475,295, C>T on the plus strand (G>A on the coding strand, the complement: DOCK7 is on the minus strand). VCF-style: chr1-62475295-C-T. GRCh37 (hg19) VCF-style: chr1-62940966-C-T.
Other names: c.5985G>A, p.Glu1995= (NM_001271999.2); c.5898G>A, p.Glu1966= (NM_001272000.2); c.5892G>A, p.Glu1964= (NM_001272001.2); c.5991G>A, p.Glu1997= (NM_001330614.2); c.5925G>A, p.Glu1975= (NM_033407.4).
Identifiers: ClinVar variation 475164 (VCV000475164.37), dbSNP rs143414077, ClinGen allele CA885312.

ClinVar aggregate classification (germline): Likely benign. Review status: criteria provided, multiple submitters, no conflicts (2 of 4 stars). 4 submissions from 4 submitters: Likely benign (4). Last evaluated 2026-01-01.

Conditions:
Developmental and epileptic encephalopathy, 23 (DEE23). Also called: Epileptic encephalopathy, early infantile, 23. Identifiers: Orphanet 411986, MedGen C4014492, MONDO:0014371, OMIM 615859.

Allele frequency attached by ClinVar (database versions not stated): gnomAD exomes 0.00010 and 0.00019; ExAC 0.00023; TOPMed 0.00028; gnomAD 0.00029; 1000 Genomes Project 30x 0.00031; ESP Exome Variant Server 0.00038.
gnomAD v4.1: 196 of 1,613,992 alleles (0.012%); highest among the groups gnomAD compares: African/African-American, 0.083%; no homozygotes.

Submissions (4):

CeGaT Center for Human Genetics Tuebingen
Classification: Likely benign. Last evaluated: 2026-01-01. Review status: criteria provided, single submitter. Criteria: CeGaT Center For Human Genetics Tuebingen Variant Classification Criteria Version 2. Collection method: clinical testing. Allele origin: germline. Affected: yes. Observed: 2 variant alleles.
Comment: DOCK7: BP4, BP7

Labcorp Genetics (formerly Invitae), Labcorp
Classification: Likely benign for Developmental and epileptic encephalopathy, 23. Last evaluated: 2025-10-23. Review status: criteria provided, single submitter. Criteria: Invitae Variant Classification Sherloc (09022015). Collection method: clinical testing. Allele origin: germline.

Genome-Nilou Lab
Classification: Likely benign for Developmental and epileptic encephalopathy, 23. Last evaluated: 2023-04-11. Review status: criteria provided, single submitter. Criteria: ACMG Guidelines, 2015. Collection method: clinical testing. Allele origin: germline. Affected: no.

Breakthrough Genomics
Classification: Likely benign. Review status: criteria provided, single submitter. Criteria: ACMG Guidelines, 2015. Collection method: not provided. Allele origin: germline. Inheritance: Autosomal recessive inheritance. Affected: yes.